The following is an entry in ClinVar:

NM_013339.4(ALG6):c.171T>A (p.Tyr57Ter)

Gene: ALG6 (ALG6 alpha-1,3-glucosyltransferase; plus strand). Cytogenetic location: 1p31.3.
Variant type: single nucleotide variant.
Coding change: c.171T>A on transcript NM_013339.4 (MANE Select); coding-DNA position 171, T replaced by A.
Protein change: p.Tyr57Ter; replaces tyrosine 57 with a stop codon.
Molecular consequence: nonsense.
Genome position (GRCh38, 1-based): chr1:63,402,257, T>A. VCF-style: chr1-63402257-T-A. GRCh37 (hg19) VCF-style: chr1-63867928-T-A.
Other names: c.171T>A, p.Tyr57Ter (LRG_1260t1); short protein forms Y57*.
Identifiers: ClinVar variation 557002 (VCV000557002.14), dbSNP rs780528545, ClinGen allele CA888096.
Genomic context (GRCh38, chr1:63,402,257, plus strand): 5'-TCTACTTCTTGAATATTGATTAACGGAATGGTGCTTTCTTCTTTTTTTCTTTTTCAGGTA[T>A]TTTAACAGCAGTGATAACAATTTACAGTATTGGGGATTGGATTACCCACCTCTTACAGCT-3'

ClinVar aggregate classification (germline): Pathogenic/Likely pathogenic. Review status: criteria provided, multiple submitters, no conflicts (2 of 4 stars). 3 submissions from 3 submitters: Pathogenic (1); Likely pathogenic (1). 1 of the submissions does not count toward it. Last evaluated 2024-06-05.

Conditions:
ALG6-congenital disorder of glycosylation 1C (CDG1C). Also called: Congenital disorder of glycosylation, type Ic; CARBOHYDRATE-DEFICIENT GLYCOPROTEIN SYNDROME, TYPE I, WITH DEFICIENT GLYCOSYLATION OF DOLICHOL-LINKED OLIGOSACCHARIDE; CARBOHYDRATE-DEFICIENT GLYCOPROTEIN SYNDROME, TYPE V; Congenital disorder of glycosylation type 1C; CDG Ic. Identifiers: Orphanet 79320, MedGen C2930997, MONDO:0011291, OMIM 603147.

Allele frequency attached by ClinVar (database versions not stated): gnomAD exomes below 0.00001; ExAC 0.00001.
gnomAD v4.1: 1 of 1,594,682 alleles (0.000063%); highest among the groups gnomAD compares: Admixed American, 0.0017%; no homozygotes.

Submissions (3):

Labcorp Genetics (formerly Invitae), Labcorp
Classification: Pathogenic for ALG6-congenital disorder of glycosylation 1C. Last evaluated: 2024-06-05. Review status: criteria provided, single submitter. Criteria: Invitae Variant Classification Sherloc (09022015). Collection method: clinical testing. Allele origin: germline.
Comment: This sequence change creates a premature translational stop signal (p.Tyr57*) in the ALG6 gene. It is expected to result in an absent or disrupted protein product. Loss-of-function variants in ALG6 are known to be pathogenic (PMID: 19862844). This variant is present in population databases (rs780528545, gnomAD 0.003%). This premature translational stop signal has been observed in individual(s) with a congenital disorder of glycosylation (PMID: 15771971). ClinVar contains an entry for this variant (Variation ID: 557002). For these reasons, this variant has been classified as Pathogenic.

GeneDx
Classification: Likely pathogenic. Last evaluated: 2022-05-19. Review status: criteria provided, single submitter. Criteria: GeneDx Variant Classification Process June 2021. Collection method: clinical testing. Allele origin: germline. Affected: yes.
Comment: Observed with a pathogenic variant in unknown phase in three individuals within the same family with a congenital disorder of glycosylation (Vuillaumier-Barrot et al., 2005); Nonsense variant predicted to result in protein truncation or nonsense mediated decay in a gene for which loss of function is a known mechanism of disease; Not observed at significant frequency in large population cohorts (gnomAD); This variant is associated with the following publications: (PMID: 25525159, 19862844, 15771971)

Counsyl
Classification: Likely pathogenic for ALG6-congenital disorder of glycosylation 1C. Last evaluated: 2018-03-02. Review status: no assertion criteria provided. Collection method: clinical testing. Allele origin: unknown. Not counted in ClinVar's aggregate classification.

Literature cited by the submitters: PubMed 19862844 (cited by Labcorp Genetics (formerly Invitae), Labcorp); PubMed 15771971 (cited by Labcorp Genetics (formerly Invitae), Labcorp and Counsyl).